The following is an entry in ClinVar:

NM_000532.5(PCCB):c.682C>G (p.Pro228Ala)

Gene: PCCB (propionyl-CoA carboxylase subunit beta; plus strand). Cytogenetic location: 3q22.3.
Variant type: single nucleotide variant.
Coding change: c.682C>G on transcript NM_000532.5 (MANE Select); coding-DNA position 682, C replaced by G.
Protein change: p.Pro228Ala; replaces proline 228 with alanine.
Molecular consequence: missense variant.
Genome position (GRCh38, 1-based): chr3:136,293,783, C>G. VCF-style: chr3-136293783-C-G. GRCh37 (hg19) VCF-style: chr3-136012625-C-G.
Other names: c.742C>G, p.Pro248Ala (NM_001178014.2); c.682C>G (NM_000532.4); short protein forms P228A, P248A.
Identifiers: ClinVar variation 1333567 (VCV001333567.11), dbSNP rs1052979420, ClinGen allele CA83793889.

ClinVar aggregate classification (germline): Conflicting classifications of pathogenicity. Review status: criteria provided, conflicting classifications (1 of 4 stars). 5 submissions from 5 submitters: Likely pathogenic (1); Uncertain significance (4). Last evaluated 2025-09-19.

Conditions:
Propionic acidemia (PROP). Also called: GLYCINEMIA, KETOTIC; HYPERGLYCINEMIA WITH KETOACIDOSIS AND LEUKOPENIA; KETOTIC HYPERGLYCINEMIA. Identifiers: Orphanet 35, MedGen C0268579, MONDO:0011628, OMIM 606054, HP:0003571.

Allele frequency attached by ClinVar (database versions not stated): gnomAD exomes below 0.00001 and 0.00001.
gnomAD v4.1: 11 of 1,612,546 alleles (0.00068%); highest among the groups gnomAD compares: Middle Eastern, 0.017%; no homozygotes.

Submissions (5):

Labcorp Genetics (formerly Invitae), Labcorp
Classification: Likely pathogenic for Propionic acidemia. Last evaluated: 2025-09-19. Review status: criteria provided, single submitter. Criteria: Invitae Variant Classification Sherloc (09022015). Collection method: clinical testing. Allele origin: germline.
Comment: This sequence change replaces proline, which is neutral and non-polar, with alanine, which is neutral and non-polar, at codon 228 of the PCCB protein (p.Pro228Ala). This variant is present in population databases (no rsID available, gnomAD 0.0009%). This variant has not been reported in the literature in individuals affected with PCCB-related conditions. ClinVar contains an entry for this variant (Variation ID: 1333567). Invitae Evidence Modeling of protein sequence and biophysical properties (such as structural, functional, and spatial information, amino acid conservation, physicochemical variation, residue mobility, and thermodynamic stability) indicates that this missense variant is expected to disrupt PCCB protein function with a positive predictive value of 80%. This variant disrupts the p.Pro228 amino acid residue in PCCB. Other variant(s) that disrupt this residue have been determined to be pathogenic (PMID: 8023851, 12007220, 15949719). This suggests that this residue is clinically significant, and that variants that disrupt this residue are likely to be disease-causing. In summary, the currently available evidence indicates that the variant is pathogenic, but additional data are needed to prove that conclusively. Therefore, this variant has been classified as Likely Pathogenic.

GeneDx
Classification: Uncertain significance. Last evaluated: 2025-07-08. Review status: criteria provided, single submitter. Criteria: GeneDx Variant Classification Process June 2021. Collection method: clinical testing. Allele origin: germline.
Comment: Has not been previously published as pathogenic or benign to our knowledge; Not observed at significant frequency in large population cohorts (gnomAD); In silico analysis supports that this missense variant has a deleterious effect on protein structure/function; This variant is associated with the following publications: (PMID: 27776753)

Women's Health and Genetics/Laboratory Corporation of America, LabCorp
Classification: Uncertain significance. Last evaluated: 2025-05-22. Review status: criteria provided, single submitter. Criteria: LabCorp Variant Classification Summary - May 2015. Collection method: clinical testing. Allele origin: germline.
Comment: Variant summary: PCCB c.682C>G (p.Pro228Ala) results in a non-conservative amino acid change in the encoded protein sequence. Algorithms developed to predict the effect of missense changes on protein structure and function all suggest that this variant is likely to be disruptive. The variant allele was found at a frequency of 4e-06 in 251258 control chromosomes. The available data on variant occurrences in the general population are insufficient to allow any conclusion about variant significance. To our knowledge, no occurrence of c.682C>G in individuals affected with Propionic Acidemia and no experimental evidence demonstrating its impact on protein function have been reported. A different variant affecting the same codon has been classified as pathogenic by our lab (c.683C>T,p.Pro228Leu), supporting the critical relevance of codon 228 to PCCB protein function. ClinVar contains an entry for this variant (Variation ID: 1333567). Based on the evidence outlined above, the variant was classified as uncertain significance.

Blueprint Genetics
Classification: Uncertain significance. Last evaluated: 2024-07-08. Review status: criteria provided, single submitter. Criteria: ACMG Guidelines, 2015. Collection method: clinical testing. Allele origin: germline.

3billion
Classification: Uncertain significance for Propionic acidemia. Last evaluated: 2022-01-03. Review status: criteria provided, single submitter. Criteria: ACMG Guidelines, 2015. Collection method: clinical testing. Allele origin: germline. Affected: yes. Observed: 1 homozygote.
Comment: The variant is observed at an extremely low frequency in the gnomAD v2.1.1 dataset (total allele frequency: 0.000004, PM2_M). A different missense change at the same codon has been reported as pathogenic/likely pathogenic with strong evidence (ClinVar ID: VCV000198428, PMID:8023851, PM5_M). In silico tool predictions suggest damaging effect of the variant on gene or gene product (REVEL: 0.972, 3CNET: 0.803, PP3_P). Therefore, this variant is classified as uncertain significance according to the recommendation of ACMG/AMP guideline.

Literature cited by the submitters: PubMed 8023851 (cited by Labcorp Genetics (formerly Invitae), Labcorp and 3billion); PubMed 12007220 (cited by Labcorp Genetics (formerly Invitae), Labcorp); PubMed 15949719 (cited by Labcorp Genetics (formerly Invitae), Labcorp).